The following is an entry in ClinVar:

NM_000384.3(APOB):c.2956T>C (p.Ser986Pro)

Gene: APOB (apolipoprotein B; minus strand). Cytogenetic location: 2p24.1.
Variant type: single nucleotide variant.
Coding change: c.2956T>C on transcript NM_000384.3 (MANE Select); coding-DNA position 2956, T replaced by C.
Protein change: p.Ser986Pro; replaces serine 986 with proline.
Molecular consequence: missense variant.
Genome position (GRCh38, 1-based): chr2:21,019,766, A>G on the plus strand (T>C on the coding strand, the complement: APOB is on the minus strand). VCF-style: chr2-21019766-A-G. GRCh37 (hg19) VCF-style: chr2-21242638-A-G.
Other names: short protein forms S986P.
Identifiers: ClinVar variation 4852794 (VCV004852794.1).

ClinVar aggregate classification (germline): Uncertain significance (1 of 4 stars; one submission).

Conditions:
Familial hypercholesterolemia. Also called: Familial hypercholesterolemias; Familial hypercholesterolaemia. Identifiers: MedGen C0020445, MONDO:0005439.

gnomAD v4.1: 2 of 1,614,152 alleles (0.00012%); highest among the groups gnomAD compares: Non-Finnish European, 0.00017%; no homozygotes.

Submission:

Cambridge Genomics Laboratory, East Genomic Laboratory Hub, NHS Genomic Medicine Service
Classification: Uncertain significance for Familial hypercholesterolaemia. Last evaluated: 2026-05-14. Review status: criteria provided, single submitter. Criteria: ACGS Best Practice Guidelines for Variant Classification in Rare Disease 2020. Collection method: clinical testing. Allele origin: germline. Affected: yes.
Comment: PM2_Supporting,PP4